The following is an entry in ClinVar:

NM_015450.3(POT1):c.608T>G (p.Leu203Arg)

Gene: POT1 (protection of telomeres 1; minus strand). Cytogenetic location: 7q31.33.
Variant type: single nucleotide variant.
Coding change: c.608T>G on transcript NM_015450.3 (MANE Select); coding-DNA position 608, T replaced by G.
Protein change: p.Leu203Arg; replaces leucine 203 with arginine.
Molecular consequence: missense variant. On other transcripts: non-coding transcript variant (3).
Genome position (GRCh38, 1-based): chr7:124,859,051, A>C on the plus strand (T>G on the coding strand, the complement: POT1 is on the minus strand). VCF-style: chr7-124859051-A-C. GRCh37 (hg19) VCF-style: chr7-124499105-A-C.
Other names: c.215T>G, p.Leu72Arg (NM_001042594.2); short protein forms L203R, L72R.
Identifiers: ClinVar variation 574617 (VCV000574617.7), dbSNP rs1562990940, ClinGen allele CA369056546.
Genomic context (GRCh38, chr7:124,859,051, plus strand): 5'-TAGACTAAAATGTCTATTGTCAGATTTTGTAGCCGATGGATGTGACTTAAATCACCTTCA[A>C]GAACAAGGTCTTGTATTAAGACTCTCCAAGATGGAAATGGTGTCCTGGTGCCATCCCATA-3'
Protein context (NP_056265.2, residues 193-213): SWRVLIQDLV[Leu203Arg]EGDLSHIHRL

ClinVar aggregate classification (germline): Uncertain significance. Review status: criteria provided, multiple submitters, no conflicts (2 of 4 stars). 2 submissions from 2 submitters: Uncertain significance (2). Last evaluated 2026-03-17.

Conditions:
Tumor predisposition syndrome 3 (TPDS3). Also called: LONG TELOMERE SYNDROME, POT1-RELATED; POT1 Tumor Predisposition; Melanoma, cutaneous malignant, susceptibility to, 10; Glioma susceptibility 9. Identifiers: Orphanet 618, MedGen C4014476, MONDO:0014368, OMIM 615848.
Hereditary cancer-predisposing syndrome. Also called: Tumor predisposition; Hereditary Cancer Syndrome; Neoplastic Syndromes, Hereditary; Hereditary neoplastic syndrome. Identifiers: Orphanet 140162, MedGen C0027672, MeSH D009386, MONDO:0015356.

Allele frequency attached by ClinVar (database versions not stated): gnomAD 0.00001.
gnomAD v4.1: 1 of 1,611,340 alleles (0.000062%); highest among the groups gnomAD compares: Middle Eastern, 0.017%; no homozygotes.

Submissions (2):

Ambry Genetics
Classification: Uncertain significance for Hereditary cancer-predisposing syndrome. Last evaluated: 2026-03-17. Review status: criteria provided, single submitter. Criteria: Ambry Variant Classification Scheme 2023. Collection method: clinical testing. Allele origin: germline.
Comment: The p.L203R variant (also known as c.608T>G), located in coding exon 5 of the POT1 gene, results from a T to G substitution at nucleotide position 608. The leucine at codon 203 is replaced by arginine, an amino acid with dissimilar properties. This amino acid position is conserved. In addition, this alteration is predicted to be tolerated by in silico analysis. Based on the available evidence, the clinical significance of this variant remains unclear.

Labcorp Genetics (formerly Invitae), Labcorp
Classification: Uncertain significance for Tumor predisposition syndrome 3. Last evaluated: 2023-10-10. Review status: criteria provided, single submitter. Criteria: Invitae Variant Classification Sherloc (09022015). Collection method: clinical testing. Allele origin: germline.
Comment: This sequence change replaces leucine, which is neutral and non-polar, with arginine, which is basic and polar, at codon 203 of the POT1 protein (p.Leu203Arg). This variant is not present in population databases (gnomAD no frequency). This variant has not been reported in the literature in individuals affected with POT1-related conditions. ClinVar contains an entry for this variant (Variation ID: 574617). Advanced modeling of protein sequence and biophysical properties (such as structural, functional, and spatial information, amino acid conservation, physicochemical variation, residue mobility, and thermodynamic stability) performed at Invitae indicates that this missense variant is not expected to disrupt POT1 protein function. In summary, the available evidence is currently insufficient to determine the role of this variant in disease. Therefore, it has been classified as a Variant of Uncertain Significance.